The following is an entry in ClinVar:

ClinVar aggregate classification (germline): Uncertain significance. Review status: criteria provided, multiple submitters, no conflicts (2 of 4 stars). 2 submissions from 2 submitters: Uncertain significance (2). Last evaluated 2025-11-19.

Conditions:
Hereditary cancer-predisposing syndrome. Also called: Neoplastic Syndromes, Hereditary; Hereditary neoplastic syndrome; Hereditary Cancer Syndrome; Tumor predisposition. Identifiers: Orphanet 140162, MedGen C0027672, MeSH D009386, MONDO:0015356.
POLD1-related polyposis and colorectal cancer syndrome (CRCS10). Also called: Colorectal cancer, susceptibility to, 10; Colorectal cancer 10; COLORECTAL CANCER, SUSCEPTIBILITY TO, ON CHROMOSOME 19q. Identifiers: Orphanet 220460, MedGen C2675481, MONDO:0012953, OMIM 612591.

gnomAD v4.1: 4 of 1,584,628 alleles (0.00025%); no homozygotes.

Submissions (2):

Labcorp Genetics (formerly Invitae), Labcorp
Classification: Uncertain significance for POLD1-related polyposis and colorectal cancer syndrome. Last evaluated: 2025-11-19. Review status: criteria provided, single submitter. Criteria: Invitae Variant Classification Sherloc (09022015). Collection method: clinical testing. Allele origin: germline.
Comment: This sequence change replaces histidine, which is basic and polar, with glutamine, which is neutral and polar, at codon 202 of the POLD1 protein (p.His202Gln). This variant is present in population databases (rs200405635, gnomAD 0.01%). This variant has not been reported in the literature in individuals affected with POLD1-related conditions. ClinVar contains an entry for this variant (Variation ID: 408105). Invitae Evidence Modeling of protein sequence and biophysical properties (such as structural, functional, and spatial information, amino acid conservation, physicochemical variation, residue mobility, and thermodynamic stability) indicates that this missense variant is not expected to disrupt POLD1 protein function with a negative predictive value of 80%. In summary, the available evidence is currently insufficient to determine the role of this variant in disease. Therefore, it has been classified as a Variant of Uncertain Significance.

Ambry Genetics
Classification: Uncertain significance for Hereditary cancer-predisposing syndrome. Last evaluated: 2025-08-26. Review status: criteria provided, single submitter. Criteria: Ambry Variant Classification Scheme 2023. Collection method: clinical testing. Allele origin: germline.
Comment: The p.H202Q variant (also known as c.606C>A), located in coding exon 5 of the POLD1 gene, results from a C to A substitution at nucleotide position 606. The histidine at codon 202 is replaced by glutamine, an amino acid with highly similar properties. This amino acid position is conserved. In addition, this alteration is predicted to be tolerated by in silico analysis. Based on the available evidence, the clinical significance of this variant remains unclear.

NM_002691.4(POLD1):c.606C>A (p.His202Gln)

Gene: POLD1 (DNA polymerase delta 1, catalytic subunit; plus strand). Cytogenetic location: 19q13.33.
Variant type: single nucleotide variant.
Coding change: c.606C>A on transcript NM_002691.4 (MANE Select); coding-DNA position 606, C replaced by A.
Protein change: p.His202Gln; replaces histidine 202 with glutamine.
Molecular consequence: missense variant. On other transcripts: non-coding transcript variant (1).
Genome position (GRCh38, 1-based): chr19:50,402,221, C>A. VCF-style: chr19-50402221-C-A. GRCh37 (hg19) VCF-style: chr19-50905478-C-A.
Other names: c.606C>A, p.His202Gln (NM_001256849.1, NM_001308632.1); short protein forms H202Q.
Identifiers: ClinVar variation 408105 (VCV000408105.13), dbSNP rs200405635, ClinGen allele CA9595832.
Genomic context (GRCh38, chr19:50,402,221, plus strand): 5'-CCCTCGGGAGGCCATTGGCTGGTCCCAGCTTCTTCCATCCACAGGCATGTTTGGGTACCA[C>A]GGGCACGGCCCCTCCCCGTTCCTGCGCATCACCGTGGCGCTGCCGCGCCTCGTGGCCCCG-3'
Protein context (NP_002682.2, residues 192-212): LCSRESMFGY[His202Gln]GHGPSPFLRI